The following is an entry in ClinVar:

ClinVar aggregate classification (germline): Uncertain significance (1 of 4 stars; one submission).

Allele frequency attached by ClinVar (database versions not stated): gnomAD exomes below 0.00001; TOPMed below 0.00001.
gnomAD v4.1: 6 of 1,577,242 alleles (0.00038%); highest among the groups gnomAD compares: African/African-American, 0.0027%; no homozygotes.

Submission:

Labcorp Genetics (formerly Invitae), Labcorp
Classification: Uncertain significance. Last evaluated: 2023-10-26. Review status: criteria provided, single submitter. Criteria: Invitae Variant Classification Sherloc (09022015). Collection method: clinical testing. Allele origin: germline.
Comment: This sequence change replaces leucine, which is neutral and non-polar, with phenylalanine, which is neutral and non-polar, at codon 3 of the ITGAM protein (p.Leu3Phe). This variant is not present in population databases (gnomAD no frequency). This variant has not been reported in the literature in individuals affected with ITGAM-related conditions. ClinVar contains an entry for this variant (Variation ID: 2168374). Algorithms developed to predict the effect of missense changes on protein structure and function output the following: SIFT: "Not Available"; PolyPhen-2: "Not Available"; Align-GVGD: "Not Available". The phenylalanine amino acid residue is found in multiple mammalian species, which suggests that this missense change does not adversely affect protein function. In summary, the available evidence is currently insufficient to determine the role of this variant in disease. Therefore, it has been classified as a Variant of Uncertain Significance.

NM_000632.4(ITGAM):c.7C>T (p.Leu3Phe)

Gene: ITGAM (integrin subunit alpha M; plus strand). Cytogenetic location: 16p11.2.
Variant type: single nucleotide variant.
Coding change: c.7C>T on transcript NM_000632.4 (MANE Select); coding-DNA position 7, C replaced by T.
Protein change: p.Leu3Phe; replaces leucine 3 with phenylalanine.
Molecular consequence: missense variant.
Genome position (GRCh38, 1-based): chr16:31,260,071, C>T. VCF-style: chr16-31260071-C-T. GRCh37 (hg19) VCF-style: chr16-31271392-C-T.
Other names: c.7C>T, p.Leu3Phe (NM_001145808.2); short protein forms L3F.
Identifiers: ClinVar variation 2168374 (VCV002168374.4), dbSNP rs1345796466, ClinGen allele CA395677837.
Genomic context (GRCh38, chr16:31,260,071, plus strand): 5'-GTGGTGCCTGCAACCCCTGGTTCACCTCCTTCCAGGTTCTGGCTCCTTCCAGCCATGGCT[C>T]TCAGAGTCCTTCTGTTAACAGGTGCATGGGGGTGGGGTGGGGGACTCTGGGTGGGGAGGA-3'
Protein context (NP_000623.2, residues 1-13): MA[Leu3Phe]RVLLLTALTL